The following is an entry in ClinVar:

NM_025215.6(PUS1):c.1214C>T (p.Thr405Met)

Gene: PUS1 (pseudouridine synthase 1; plus strand). Cytogenetic location: 12q24.33.
Variant type: single nucleotide variant.
Coding change: c.1214C>T on transcript NM_025215.6 (MANE Select); coding-DNA position 1214, C replaced by T.
Protein change: p.Thr405Met; replaces threonine 405 with methionine.
Molecular consequence: missense variant.
Genome position (GRCh38, 1-based): chr12:131,941,961, C>T. VCF-style: chr12-131941961-C-T. GRCh37 (hg19) VCF-style: chr12-132426506-C-T.
Other names: c.1130C>T, p.Thr377Met (NM_001002019.3, NM_001002020.3); short protein forms T377M, T405M.
Identifiers: ClinVar variation 618854 (VCV000618854.70), dbSNP rs149378338, ClinGen allele CA6884350.
Genomic context (GRCh38, chr12:131,941,961, plus strand): 5'-GCTCCATGGCCCAGTGGCTGAGCACCTTGCCCATCCACAACTTCAGTGCCACCGCTCTCA[C>T]GGCAGGTGGCACGGGCGCCAAGGTAGGGGCACAGTCCCAGCAGTGCTCAGCAGAACACAG-3'
Protein context (NP_079491.2, residues 395-415): PIHNFSATAL[Thr405Met]AGGTGAKVPS

ClinVar aggregate classification (germline): Likely benign. Review status: criteria provided, multiple submitters, no conflicts (2 of 4 stars). 8 submissions from 8 submitters: Likely benign (7). 1 of the submissions does not count toward it. Last evaluated 2026-07-01.

Conditions:
Myopathy, lactic acidosis, and sideroblastic anemia 1 (MLASA1). Identifiers: Orphanet 2598, MedGen C4551958, MONDO:0024553, OMIM 600462.
Myopathy, lactic acidosis, and sideroblastic anemia. Also called: Mitochondrial myopathy and sideroblastic anemia; Myopathy with lactic acidosis and sideroblastic anemia. Identifiers: Orphanet 2598, MedGen C1838103, MONDO:0000863.

Allele frequency attached by ClinVar (database versions not stated): gnomAD 0.00233 and 0.00222; 1000 Genomes Project 30x 0.00094; ESP Exome Variant Server 0.00108; 1000 Genomes Project 0.00120; TOPMed 0.00149.

Submissions (8):

CeGaT Center for Human Genetics Tuebingen
Classification: Likely benign. Last evaluated: 2026-07-01. Review status: criteria provided, single submitter. Criteria: CeGaT Center For Human Genetics Tuebingen Variant Classification Criteria Version 2. Collection method: clinical testing. Allele origin: germline. Affected: yes. Observed: 26 variant alleles.
Comment: PUS1: BP4, BS2

Labcorp Genetics (formerly Invitae), Labcorp
Classification: Likely benign. Last evaluated: 2026-02-01. Review status: criteria provided, single submitter. Criteria: Invitae Variant Classification Sherloc (09022015). Collection method: clinical testing. Allele origin: germline.

Blueprint Genetics
Classification: Likely benign. Last evaluated: 2024-11-26. Review status: criteria provided, single submitter. Criteria: ACMG Guidelines, 2015. Collection method: clinical testing. Allele origin: germline.

ARUP Laboratories, Molecular Genetics and Genomics, ARUP Laboratories
Classification: Likely benign for Myopathy, lactic acidosis, and sideroblastic anemia 1. Last evaluated: 2022-03-02. Review status: criteria provided, single submitter. Criteria: ARUP Molecular Germline Variant Investigation Process 2021. Collection method: clinical testing. Allele origin: germline.

Department of Pathology and Laboratory Medicine, Sinai Health System
Classification: Likely benign for Myopathy, lactic acidosis, and sideroblastic anemia 1. Last evaluated: 2021-10-25. Review status: criteria provided, single submitter. Criteria: ACMG Guidelines, 2015. Collection method: research. Allele origin: germline.

GeneDx
Classification: Likely benign. Last evaluated: 2020-09-01. Review status: criteria provided, single submitter. Criteria: GeneDx Variant Classification Process June 2021. Collection method: clinical testing. Allele origin: germline. Affected: yes.

Illumina Laboratory Services, Illumina
Classification: Likely benign for Myopathy, lactic acidosis, and sideroblastic anemia 1. Last evaluated: 2017-04-27. Review status: criteria provided, single submitter. Criteria: ICSL Variant Classification Criteria 13 December 2019. Collection method: clinical testing. Allele origin: germline.
Comment: This variant was observed as part of a predisposition screen in an ostensibly healthy population. A literature search was performed for the gene, cDNA change, and amino acid change (where applicable). No publications were found based on this search. Allele frequency data from public databases allowed determination this variant is unlikely to cause disease. Therefore, this variant is classified as likely benign.

Natera, Inc.
Classification: Benign for Mitochondrial myopathy and sideroblastic anemia. Last evaluated: 2019-10-21. Review status: no assertion criteria provided. Collection method: clinical testing. Allele origin: germline. Not counted in ClinVar's aggregate classification.